The following is an entry in ClinVar:

NM_003172.4(SURF1):c.836A>G (p.Tyr279Cys)

Gene: SURF1 (SURF1 cytochrome c oxidase assembly factor; minus strand). Cytogenetic location: 9q34.2.
Variant type: single nucleotide variant.
Coding change: c.836A>G on transcript NM_003172.4 (MANE Select); coding-DNA position 836, A replaced by G.
Protein change: p.Tyr279Cys; replaces tyrosine 279 with cysteine.
Molecular consequence: missense variant.
Genome position (GRCh38, 1-based): chr9:133,351,980, T>C on the plus strand (A>G on the coding strand, the complement: SURF1 is on the minus strand). VCF-style: chr9-133351980-T-C. GRCh37 (hg19) VCF-style: chr9-136218835-T-C.
Other names: c.836A>G (NM_003172.2); c.509A>G, p.Tyr170Cys (NM_001280787.1); short protein forms Y279C, Y170C.
Identifiers: ClinVar variation 912547 (VCV000912547.8), dbSNP rs587758543, ClinGen allele CA200831944.

ClinVar aggregate classification (germline): Uncertain significance. Review status: criteria provided, multiple submitters, no conflicts (2 of 4 stars). 3 submissions from 3 submitters: Uncertain significance (3). Last evaluated 2025-08-29.

Conditions:
Leigh syndrome (NULS). Also called: Leigh Disease; Subacute necrotizing encephalopathy; Necrotizing encephalopathy infantile subacute of Leigh; Leigh's syndrome; Leigh's necrotizing encephalopathy; Leigh's disease. Identifiers: Orphanet 506, MedGen C2931891, MONDO:0009723, OMIM 256000.

Allele frequency attached by ClinVar (database versions not stated): gnomAD 0.00001 and 0.00003; TOPMed 0.00001; 1000 Genomes Project 30x 0.00047; 1000 Genomes Project 0.00060.

Submissions (3):

Labcorp Genetics (formerly Invitae), Labcorp
Classification: Uncertain significance for Leigh syndrome. Last evaluated: 2025-08-29. Review status: criteria provided, single submitter. Criteria: Invitae Variant Classification Sherloc (09022015). Collection method: clinical testing. Allele origin: germline.
Comment: This sequence change replaces tyrosine, which is neutral and polar, with cysteine, which is neutral and slightly polar, at codon 279 of the SURF1 protein (p.Tyr279Cys). This variant is present in population databases (rs587758543, gnomAD 0.003%). This variant has not been reported in the literature in individuals affected with SURF1-related conditions. ClinVar contains an entry for this variant (Variation ID: 912547). Invitae Evidence Modeling of protein sequence and biophysical properties (such as structural, functional, and spatial information, amino acid conservation, physicochemical variation, residue mobility, and thermodynamic stability) indicates that this missense variant is expected to disrupt SURF1 protein function with a positive predictive value of 95%. In summary, the available evidence is currently insufficient to determine the role of this variant in disease. Therefore, it has been classified as a Variant of Uncertain Significance.

GeneDx
Classification: Uncertain significance. Last evaluated: 2025-07-14. Review status: criteria provided, single submitter. Criteria: GeneDx Variant Classification Process June 2021. Collection method: clinical testing. Allele origin: germline. Affected: yes.
Comment: Not observed at significant frequency in large population cohorts (gnomAD); In silico analysis supports that this missense variant has a deleterious effect on protein structure/function; Has not been previously published as pathogenic or benign to our knowledge

Illumina Laboratory Services, Illumina
Classification: Uncertain significance for Leigh syndrome. Last evaluated: 2018-01-12. Review status: criteria provided, single submitter. Criteria: ICSL Variant Classification Criteria 13 December 2019. Collection method: clinical testing. Allele origin: germline.